The following is an entry in ClinVar:

ClinVar aggregate classification (germline): Uncertain significance. Review status: criteria provided, multiple submitters, no conflicts (2 of 4 stars). 6 submissions from 6 submitters: Uncertain significance (6). Last evaluated 2026-01-21.

Conditions:
Inborn genetic diseases. Identifiers: MedGen C0950123, MeSH D030342.
Pulmonary fibrosis and/or bone marrow failure, Telomere-related, 4. Also called: PULMONARY FIBROSIS AND/OR BONE MARROW FAILURE SYNDROME, TELOMERE-RELATED, 4. Identifiers: Orphanet 2032, MedGen C4225347, MONDO:0014612, OMIM 616371.
Dyskeratosis congenita, autosomal recessive 6 (DKCB6). Identifiers: MedGen C4225356, MONDO:0014600, OMIM 616353.

Allele frequency attached by ClinVar (database versions not stated): ESP Exome Variant Server 0.00008; TOPMed 0.00011.
gnomAD v4.1: 139 of 1,482,460 alleles (0.0094%); highest among the groups gnomAD compares: Non-Finnish European, 0.01%; no homozygotes.

Submissions (6):

Labcorp Genetics (formerly Invitae), Labcorp
Classification: Uncertain significance for Dyskeratosis congenita, autosomal recessive 6; Pulmonary fibrosis and/or bone marrow failure, Telomere-related, 4. Last evaluated: 2026-01-21. Review status: criteria provided, single submitter. Criteria: Invitae Variant Classification Sherloc (09022015). Collection method: clinical testing. Allele origin: germline.
Comment: This sequence change replaces leucine, which is neutral and non-polar, with valine, which is neutral and non-polar, at codon 433 of the PARN protein (p.Leu433Val). This variant is present in population databases (rs201782700, gnomAD 0.03%). This variant has not been reported in the literature in individuals affected with PARN-related conditions. ClinVar contains an entry for this variant (Variation ID: 658043). Invitae Evidence Modeling of protein sequence and biophysical properties (such as structural, functional, and spatial information, amino acid conservation, physicochemical variation, residue mobility, and thermodynamic stability) indicates that this missense variant is not expected to disrupt PARN protein function with a negative predictive value of 80%. In summary, the available evidence is currently insufficient to determine the role of this variant in disease. Therefore, it has been classified as a Variant of Uncertain Significance.

Ambry Genetics
Classification: Uncertain significance for Inborn genetic diseases. Last evaluated: 2025-08-20. Review status: criteria provided, single submitter. Criteria: Ambry Variant Classification Scheme 2023. Collection method: clinical testing. Allele origin: germline.

Blueprint Genetics
Classification: Uncertain significance. Last evaluated: 2024-10-18. Review status: criteria provided, single submitter. Criteria: ACMG Guidelines, 2015. Collection method: clinical testing. Allele origin: germline.

GeneDx
Classification: Uncertain significance. Last evaluated: 2024-06-06. Review status: criteria provided, single submitter. Criteria: GeneDx Variant Classification Process June 2021. Collection method: clinical testing. Allele origin: germline. Affected: yes.
Comment: In silico analysis indicates that this missense variant does not alter protein structure/function; Has not been previously published as pathogenic or benign to our knowledge

Fulgent Genetics
Classification: Uncertain significance for Dyskeratosis congenita, autosomal recessive 6; Pulmonary fibrosis and/or bone marrow failure, Telomere-related, 4. Last evaluated: 2024-05-13. Review status: criteria provided, single submitter. Criteria: ACMG Guidelines, 2015. Collection method: clinical testing. Allele origin: germline.

Godley laboratory, The University of Chicago
Classification: Uncertain significance for Pulmonary fibrosis and/or bone marrow failure, Telomere-related, 4. Last evaluated: 2020-05-18. Review status: criteria provided, single submitter. Criteria: ACMG Guidelines, 2015. Collection method: clinical testing. Allele origin: germline. Inheritance: Autosomal dominant inheritance. Affected: yes.

NM_002582.4(PARN):c.1297C>G (p.Leu433Val)

Gene: PARN (poly(A)-specific ribonuclease; minus strand). Cytogenetic location: 16p13.12.
Variant type: single nucleotide variant.
Coding change: c.1297C>G on transcript NM_002582.4 (MANE Select); coding-DNA position 1297, C replaced by G.
Protein change: p.Leu433Val; replaces leucine 433 with valine.
Molecular consequence: missense variant.
Genome position (GRCh38, 1-based): chr16:14,555,675, G>C on the plus strand (C>G on the coding strand, the complement: PARN is on the minus strand). VCF-style: chr16-14555675-G-C. GRCh37 (hg19) VCF-style: chr16-14649532-G-C.
Other names: c.1297C>G, p.Leu433Val (LRG_1286t1); c.1114C>G, p.Leu372Val (NM_001134477.3); c.1159C>G, p.Leu387Val (NM_001242992.2); short protein forms L372V, L387V, L433V.
Identifiers: ClinVar variation 658043 (VCV000658043.16), dbSNP rs201782700, ClinGen allele CA7912080.